The following is an entry in ClinVar:

ClinVar aggregate classification (germline): Pathogenic (1 of 4 stars; one submission).

Conditions:
Tuberous sclerosis 2 (TSC2). Identifiers: Orphanet 805, MedGen C1860707, MONDO:0013199, OMIM 613254.

Submission:

Labcorp Genetics (formerly Invitae), Labcorp
Classification: Pathogenic for Tuberous sclerosis 2. Last evaluated: 2023-12-06. Review status: criteria provided, single submitter. Criteria: Invitae Variant Classification Sherloc (09022015). Collection method: clinical testing. Allele origin: unknown.
Comment: This variant is a gross deletion of the genomic region encompassing exon(s) 4-30 of the TSC2 gene. This deletion is out-of-frame, and is expected to create a premature termination codon and result in an absent or disrupted protein product. Loss-of-function variants in TSC2 are known to be pathogenic (PMID: 10205261, 17304050). This variant has not been reported in the literature in individuals affected with TSC2-related conditions. For these reasons, this variant has been classified as Pathogenic.

Literature cited by the submitters: PubMed 10205261; PubMed 17304050.

NC_000016.9:g.(?_2103323)_(2130398_?)del

Gene: TSC2 (TSC complex subunit 2; plus strand). Cytogenetic location: 16p13.3.
Variant type: Deletion.
Identifiers: ClinVar variation 3243455 (VCV003243455.1).